The following is an entry in ClinVar:

NM_000368.5(TSC1):c.1966G>A (p.Gly656Arg)

Gene: TSC1 (TSC complex subunit 1; minus strand). Cytogenetic location: 9q34.13.
Variant type: single nucleotide variant.
Coding change: c.1966G>A on transcript NM_000368.5 (MANE Select); coding-DNA position 1966, G replaced by A.
Protein change: p.Gly656Arg; replaces glycine 656 with arginine.
Molecular consequence: missense variant. On other transcripts: non-coding transcript variant (5).
Genome position (GRCh38, 1-based): chr9:132,905,612, C>T on the plus strand (G>A on the coding strand, the complement: TSC1 is on the minus strand). VCF-style: chr9-132905612-C-T. GRCh37 (hg19) VCF-style: chr9-135780999-C-T.
Other names: c.1012G>A, p.Gly338Arg (NM_001406627.1, NM_001406628.1); c.913G>A, p.Gly305Arg (NM_001406629.1, NM_001406630.1); c.1603G>A, p.Gly535Arg (NM_001406616.1, NM_001406617.1, NM_001406618.1 and 5 more transcripts); c.1600G>A, p.Gly534Arg (NM_001406620.1, NM_001406621.1, NM_001406622.1 and 2 more transcripts); c.1015G>A, p.Gly339Arg (NM_001406626.1); c.1810G>A, p.Gly604Arg (NM_001406613.1, NM_001406611.1, NM_001406612.1); c.1963G>A, p.Gly655Arg (NM_001162426.2, NM_001406597.1, NM_001406598.1 and 6 more transcripts); c.1813G>A, p.Gly605Arg (NM_001162427.2, NM_001406610.1); and 1 more; short protein forms G305R, G338R, G339R, G534R, G535R, G604R, G605R, G655R.
Identifiers: ClinVar variation 2679304 (VCV002679304.3), dbSNP rs2131809131, ClinGen allele CA375362353.

ClinVar aggregate classification (germline): Uncertain significance. Review status: criteria provided, multiple submitters, no conflicts (2 of 4 stars). 2 submissions from 2 submitters: Uncertain significance (2). Last evaluated 2026-05-18.

Conditions:
Isolated focal cortical dysplasia type II (FCORD2). Also called: CORTICAL DYSPLASIA OF TAYLOR; Focal cortical dysplasia type II. Identifiers: Orphanet 268994, MedGen C1846385, MONDO:0011818, OMIM 607341, HP:0032051.
Hereditary cancer-predisposing syndrome. Also called: Tumor predisposition; Hereditary neoplastic syndrome; Neoplastic Syndromes, Hereditary; Hereditary Cancer Syndrome. Identifiers: Orphanet 140162, MedGen C0027672, MeSH D009386, MONDO:0015356.

Submissions (2):

Ambry Genetics
Classification: Uncertain significance for Hereditary cancer-predisposing syndrome. Last evaluated: 2026-05-18. Review status: criteria provided, single submitter. Criteria: Ambry Variant Classification Scheme 2023. Collection method: clinical testing. Allele origin: germline.
Comment: The p.G656R variant (also known as c.1966G>A), located in coding exon 13 of the TSC1 gene, results from a G to A substitution at nucleotide position 1966. The glycine at codon 656 is replaced by arginine, an amino acid with dissimilar properties. This amino acid position is highly conserved in available vertebrate species. In addition, this alteration is predicted to be deleterious by in silico analysis. Based on the available evidence, the clinical significance of this variant remains unclear.

Baylor Genetics
Classification: Uncertain significance for Isolated focal cortical dysplasia type II. Last evaluated: 2023-09-22. Review status: criteria provided, single submitter. Criteria: ACMG Guidelines, 2015. Collection method: clinical testing. Allele origin: unknown.